The following is an entry in ClinVar:

NM_001130987.2(DYSF):c.1117del (p.Leu373fs)

Gene: DYSF (dysferlin; plus strand). Cytogenetic location: 2p13.2.
Variant type: Deletion.
Coding change: c.1117del on transcript NM_001130987.2 (MANE Select); coding-DNA position 1117, one base deleted (C; older notation c.1117delC).
Protein change: p.Leu373fs; shifts the reading frame from leucine 373.
Molecular consequence: frameshift variant.
Genome position (GRCh38, 1-based): chr2:71,520,872, C deleted; the last of 2 consecutive C bases (chr2:71,520,871-71,520,872); deleting either gives the same sequence. VCF-style (leftmost placement, unchanged base first): chr2-71520870-GC-G. GRCh37 (hg19) VCF-style: chr2-71748000-GC-G.
Other names: c.1024del, p.Leu342fs (NM_001130455.2, NM_001130983.2, NM_001130984.2 and 1 more transcripts); c.1021del, p.Leu341fs (NM_001130976.2, NM_001130977.2, NM_001130978.2 and 1 more transcripts); c.1114del, p.Leu372fs (NM_001130979.2, NM_001130980.2, NM_001130981.2); c.1117del, p.Leu373fs (NM_001130982.2, NM_001130985.2); short protein forms L373fs, L341fs, L342fs, L372fs.
Identifiers: ClinVar variation 848060 (VCV000848060.8), dbSNP rs2087187562, ClinGen allele CA916082538.
Genomic context (GRCh38, chr2:71,520,870, plus strand): 5'-GGCTGCTGCTCTCAGACCCTGATGACTTCTCTGCTGGGGCCAGAGGCTACCTGAAAACAA[GC>G]CTTTGTGTGCTGGGGCCTGGGGACGAAGCGCCTGTGAGTACATTTCCCTGGGTCTTCCTT-3'

ClinVar aggregate classification (germline): Pathogenic (1 of 4 stars; one submission).

Conditions:
Neuromuscular disease caused by qualitative or quantitative defects of dysferlin. Also called: Qualitative or quantitative defects of dysferlin; Dysferlinopathy. Identifiers: Orphanet 207073, MedGen C2931687, MONDO:0016145.

Submission:

Labcorp Genetics (formerly Invitae), Labcorp
Classification: Pathogenic for Neuromuscular disease caused by qualitative or quantitative defects of dysferlin. Last evaluated: 2019-12-29. Review status: criteria provided, single submitter. Criteria: Invitae Variant Classification Sherloc (09022015). Collection method: clinical testing. Allele origin: germline.
Comment: This variant is not present in population databases (ExAC no frequency). This sequence change creates a premature translational stop signal (p.Leu341Phefs*34) in the DYSF gene. It is expected to result in an absent or disrupted protein product. For these reasons, this variant has been classified as Pathogenic. Loss-of-function variants in DYSF are known to be pathogenic (PMID: 17698709, 20301480). This variant has not been reported in the literature in individuals with DYSF-related conditions.

Literature cited by the submitters: PubMed 17698709; PubMed 20301480.